The following is an entry in ClinVar:

NM_014679.5(CEP57):c.1286dup (p.Leu430fs)

Gene: CEP57 (centrosomal protein 57; plus strand). Cytogenetic location: 11q21.
Variant type: Duplication.
Coding change: c.1286dup on transcript NM_014679.5 (MANE Select); coding-DNA position 1286, one base duplicated (A; older notation c.1286dupA).
Protein change: p.Leu430fs; shifts the reading frame from leucine 430.
Molecular consequence: frameshift variant.
Genome position (GRCh38, 1-based): chr11:95,831,039, A duplicated; the last of 2 consecutive A bases (chr11:95,831,038-95,831,039); duplicating either gives the same sequence. VCF-style (leftmost placement, unchanged base first): chr11-95831037-G-GA. GRCh37 (hg19) VCF-style: chr11-95564201-G-GA.
Other names: c.1259dup, p.Leu421fs (NM_001243776.2); c.1208dup, p.Leu404fs (NM_001243777.2); c.1205dup, p.Leu403fs (NM_001363604.2); short protein forms L403fs, L421fs, L404fs, L430fs.
Identifiers: ClinVar variation 938902 (VCV000938902.7), dbSNP rs1862984152, ClinGen allele CA1139662124.

ClinVar aggregate classification (germline): Uncertain significance (1 of 4 stars; one submission).

Conditions:
Mosaic variegated aneuploidy syndrome 2 (MVA2). Identifiers: Orphanet 1052, MedGen C3279843, MONDO:0013582, OMIM 614114.

Submission:

Labcorp Genetics (formerly Invitae), Labcorp
Classification: Uncertain significance for Mosaic variegated aneuploidy syndrome 2. Last evaluated: 2019-09-26. Review status: criteria provided, single submitter. Criteria: Invitae Variant Classification Sherloc (09022015). Collection method: clinical testing. Allele origin: germline.
Comment: In summary, the available evidence is currently insufficient to determine the role of this variant in disease. Therefore, it has been classified as a Variant of Uncertain Significance. Experimental studies and prediction algorithms are not available or were not evaluated, and the functional significance of this variant is currently unknown. This variant has not been reported in the literature in individuals with CEP57-related conditions. This variant is not present in population databases (ExAC no frequency). This sequence change results in a premature translational stop signal in the CEP57 gene (p.Leu430Valfs*16). While this is not anticipated to result in nonsense mediated decay, it is expected to disrupt the last 71 amino acids of the CEP57 protein.